The following is an entry in ClinVar:

NM_002148.4(HOXD10):c.581A>G (p.Gln194Arg)

Gene: HOXD10 (homeobox D10; plus strand). Cytogenetic location: 2q31.1.
Variant type: single nucleotide variant.
Coding change: c.581A>G on transcript NM_002148.4 (MANE Select); coding-DNA position 581, A replaced by G.
Protein change: p.Gln194Arg; replaces glutamine 194 with arginine.
Molecular consequence: missense variant.
Genome position (GRCh38, 1-based): chr2:176,117,414, A>G. VCF-style: chr2-176117414-A-G. GRCh37 (hg19) VCF-style: chr2-176982142-A-G.
Other names: short protein forms Q194R.
Identifiers: ClinVar variation 332485 (VCV000332485.6), dbSNP rs769981285, ClinGen allele CA1977327.

ClinVar aggregate classification (germline): Conflicting classifications of pathogenicity. Review status: criteria provided, conflicting classifications (1 of 4 stars). 2 submissions from 2 submitters: Uncertain significance (1); Likely benign (1). Last evaluated 2024-05-30.

Conditions:
Congenital vertical talus. Also called: PES VALGUS, CONGENITAL CONVEX; Rocker-bottom foot deformity. Identifiers: Orphanet 178382, MedGen C0240912, MONDO:0008652, OMIM 192950, HP:0001838.

Allele frequency attached by ClinVar (database versions not stated): gnomAD 0.00005 and 0.00006; gnomAD exomes 0.00005 and 0.00008; TOPMed 0.00005; ExAC 0.00008.

Submissions (2):

ARUP Laboratories, Molecular Genetics and Genomics, ARUP Laboratories
Classification: Uncertain significance. Last evaluated: 2024-05-30. Review status: criteria provided, single submitter. Criteria: ARUP Molecular Germline Variant Investigation Process 2024. Collection method: clinical testing. Allele origin: germline.
Comment: The HOXD10 c.581A>G; p.Gln194Arg variant (rs769981285), to our knowledge, is not reported in the medical literature but is reported in ClinVar (Variation ID: 332485). This variant is found in the general population with an overall allele frequency of 0.005% (14/279,522 alleles) in the Genome Aggregation Database (v2.1.1). Computational analyses are uncertain whether this variant is neutral or deleterious (REVEL: 0.283). Due to limited information, the clinical significance of this variant is uncertain at this time.

Illumina Laboratory Services, Illumina
Classification: Likely benign for Congenital vertical talus. Last evaluated: 2018-01-13. Review status: criteria provided, single submitter. Criteria: ICSL Variant Classification Criteria 13 December 2019. Collection method: clinical testing. Allele origin: germline.
Comment: This variant was observed in the ICSL laboratory as part of a predisposition screen in an ostensibly healthy population. It had not been previously curated by ICSL or reported in the Human Gene Mutation Database (HGMD: prior to June 1st, 2018), and was therefore a candidate for classification through an automated scoring system. Utilizing variant allele frequency, disease prevalence and penetrance estimates, and inheritance mode, an automated score was calculated to assess if this variant is too frequent to cause the disease. Based on the score and internal cut-off values, a variant classified as likely benign is not then subjected to further curation. The score for this variant resulted in a classification of likely benign for this disease.